The following is an entry in ClinVar:

ClinVar aggregate classification (germline): Uncertain significance. Review status: criteria provided, multiple submitters, no conflicts (2 of 4 stars). 3 submissions from 3 submitters: Uncertain significance (3). Last evaluated 2026-01-14.
ClinVar aggregate classification (somatic clinical impact): Tier I - Strong (1 of 4 stars; one submission).

Conditions:
Hereditary cancer-predisposing syndrome. Also called: Hereditary neoplastic syndrome; Hereditary Cancer Syndrome; Neoplastic Syndromes, Hereditary; Tumor predisposition. Identifiers: Orphanet 140162, MedGen C0027672, MeSH D009386, MONDO:0015356.
EGFR-related lung cancer (EGFR). Identifiers: MedGen CN130014.
Diffuse pediatric-type high-grade glioma, H3-wildtype and IDH-wildtype. Identifiers: MedGen C5669918, MONDO:0858939.

Allele frequency attached by ClinVar (database versions not stated): gnomAD exomes below 0.00001; TOPMed below 0.00001; gnomAD 0.00001.
gnomAD v4.1: 3 of 1,614,074 alleles (0.00019%); highest among the groups gnomAD compares: African/African-American, 0.0027%; no homozygotes.

Submissions (4):

Labcorp Genetics (formerly Invitae), Labcorp
Classification: Uncertain significance for EGFR-related lung cancer. Last evaluated: 2026-01-14. Review status: criteria provided, single submitter. Criteria: Invitae Variant Classification Sherloc (09022015). Collection method: clinical testing. Allele origin: germline.
Comment: This sequence change replaces glycine, which is neutral and non-polar, with serine, which is neutral and polar, at codon 724 of the EGFR protein (p.Gly724Ser). This variant is present in population databases (no rsID available, gnomAD 0.01%). This missense change has been observed in individual(s) with lung cancer (PMID: 30610926, 37579253). ClinVar contains an entry for this variant (Variation ID: 376360). Invitae Evidence Modeling of protein sequence and biophysical properties (such as structural, functional, and spatial information, amino acid conservation, physicochemical variation, residue mobility, and thermodynamic stability) indicates that this missense variant is expected to disrupt EGFR protein function with a positive predictive value of 80%. In summary, the available evidence is currently insufficient to determine the role of this variant in disease. Therefore, it has been classified as a Variant of Uncertain Significance.

Ambry Genetics
Classification: Uncertain significance for Hereditary cancer-predisposing syndrome. Last evaluated: 2025-03-06. Review status: criteria provided, single submitter. Criteria: Ambry Variant Classification Scheme 2023. Collection method: clinical testing. Allele origin: germline.
Comment: The p.G724S variant (also known as c.2170G>A), located in coding exon 18 of the EGFR gene, results from a G to A substitution at nucleotide position 2170. The glycine at codon 724 is replaced by serine, an amino acid with similar properties. This alteration was identified in an individual diagnosed with lung cancer (Lu S et al. J Thorac Oncol, 2019 Apr;14:732-736). This amino acid position is highly conserved in available vertebrate species. In addition, this alteration is predicted to be deleterious by in silico analysis. Based on the available evidence, the clinical significance of this variant remains unclear.

Institute for Genomic Medicine (IGM) Clinical Laboratory, Nationwide Children's Hospital
Classification: Tier I - Strong for Diffuse pediatric-type high-grade glioma, H3-wildtype and IDH-wildtype. Assertion type: diagnostic. Clinical significance: supports diagnosis. Last evaluated: 2023-09-22. Review status: criteria provided, single submitter. Criteria: AMP/ASCO/CAP Guidelines, 2017. Collection method: clinical testing. Allele origin: somatic. Affected: yes.
Comment: Variant has Tier I (strong) clinical significance as a diagnostic inclusion criterion in diffuse pediatric-type high-grade glioma, H3-wildtype and IDH-wildtype, based on the following evidence: 1) Documented in one or more cancer databases (e.g., St. Jude Pecan, COSMIC, CIViC, OncoKB). 2) Appears in one or more well-established professional guidelines (e.g., World Health Organization [WHO]; National Comprehensive Cancer Network [NCCN]) as providing diagnostic, prognostic, or therapeutic information. 3) Information in the literature supports potential biologic effect of variant (PMID: 24894453). 4) Diagnostic for a specific tumor type/classification based on well-powered studies with expert-level consensus (Evidence Level B; PMIDs: 28966033, 24705251, 29763623, 28912153, 35332262).

Laboratory for Molecular Medicine, Mass General Brigham Personalized Medicine
Classification: Uncertain significance. Last evaluated: 2019-03-25. Review status: criteria provided, single submitter. Criteria: LMM Criteria. Collection method: clinical testing. Allele origin: germline. Observed: 1 variant allele.
Comment: The p.Gly724Ser variant has not been reported as a germline variant to our knowledge. However, this variant has been identified in 13 lung adenocarcinomas or non-small cell lung cancers (Brown 2019, Chung 2009, Fassunke 2018, Ogino 2005, Oztan 2017, Peled 2017, Tam 2006, Zhang 2019). In 11 of these cases, the p.Gly724Ser variant was only identified after progressive disease and in the setting of osimertinib and/or erlotinib resistance, often in the context of primary EGFR exon 19 deletions and acquired p.Thr790Met resistant mutation. Molecular modeling suggests that the p.Gly724Ser variant reduces osimertinib binding affinity in context of exon 19 deletion (Brown 2019), and in vitro functional evidence also supported that the p.Gly724Ser variant is resistant to osimertinib but may be responsive to afatinib (Brown 2019, Cho 2014, Fassunke 2018). This was also observed in one patient, where afatinib reduced the p.Gly724Ser clone identified in a metastatic liver lesion (Peled 2017). This variant has also been reported in two cases of colorectal cancer, one of which that did not respond to gefitinib (Cho 2014, Ogino 2005). In summary, while the clinical significance of this variant is uncertain in the context of a germline variant, there is evidence to support that the variant is likely resistant to osimertinib, a third-generation EGFR inhibitor in the setting of EGFR exon 19 deletions with or without in the acquired p.Thr790Met resistant mutation.

Literature cited by the submitters: PubMed 30610926 (cited by Labcorp Genetics (formerly Invitae), Labcorp and Ambry Genetics); PubMed 37579253 (cited by Labcorp Genetics (formerly Invitae), Labcorp); PubMed 24894453 (cited by Institute for Genomic Medicine (IGM) Clinical Laboratory, Nationwide Children's Hospital and Laboratory for Molecular Medicine, Mass General Brigham Personalized Medicine); PubMed 28966033 (cited by Institute for Genomic Medicine (IGM) Clinical Laboratory, Nationwide Children's Hospital); PubMed 24705251 (cited by Institute for Genomic Medicine (IGM) Clinical Laboratory, Nationwide Children's Hospital); PubMed 29763623 (cited by Institute for Genomic Medicine (IGM) Clinical Laboratory, Nationwide Children's Hospital); PubMed 28912153 (cited by Institute for Genomic Medicine (IGM) Clinical Laboratory, Nationwide Children's Hospital); PubMed 35332262 (cited by Institute for Genomic Medicine (IGM) Clinical Laboratory, Nationwide Children's Hospital); PubMed 19844187 (cited by Laboratory for Molecular Medicine, Mass General Brigham Personalized Medicine); PubMed 16533793 (cited by Laboratory for Molecular Medicine, Mass General Brigham Personalized Medicine); PubMed 16166444 (cited by Laboratory for Molecular Medicine, Mass General Brigham Personalized Medicine); PubMed 28286242 (cited by Laboratory for Molecular Medicine, Mass General Brigham Personalized Medicine); PubMed 30405134 (cited by Laboratory for Molecular Medicine, Mass General Brigham Personalized Medicine); PubMed 28838405 (cited by Laboratory for Molecular Medicine, Mass General Brigham Personalized Medicine); PubMed 30588029 (cited by Laboratory for Molecular Medicine, Mass General Brigham Personalized Medicine); PubMed 30796031 (cited by Laboratory for Molecular Medicine, Mass General Brigham Personalized Medicine).

NM_005228.5(EGFR):c.2170G>A (p.Gly724Ser)

Gene: EGFR (epidermal growth factor receptor; plus strand). Cytogenetic location: 7p11.2.
Variant type: single nucleotide variant.
Coding change: c.2170G>A on transcript NM_005228.5 (MANE Select); coding-DNA position 2170, G replaced by A.
Protein change: p.Gly724Ser; replaces glycine 724 with serine.
Molecular consequence: missense variant.
Genome position (GRCh38, 1-based): chr7:55,174,029, G>A. VCF-style: chr7-55174029-G-A. GRCh37 (hg19) VCF-style: chr7-55241722-G-A.
Other names: c.2035G>A, p.Gly679Ser (NM_001346897.2, NM_001346899.2); c.2170G>A, p.Gly724Ser (NM_001346898.2); c.2011G>A, p.Gly671Ser (NM_001346900.2); c.1369G>A, p.Gly457Ser (NM_001346941.2); c.2170G>A (NM_005228.3); short protein forms G724S, G457S, G671S, G679S.
Identifiers: ClinVar variation 376360 (VCV000376360.13), dbSNP rs1051753269, ClinGen allele CA16602800.
Genomic context (GRCh38, chr7:55,174,029, plus strand): 5'-TTGAGGATCTTGAAGGAAACTGAATTCAAAAAGATCAAAGTGCTGGGCTCCGGTGCGTTC[G>A]GCACGGTGTATAAGGTAAGGTCCCTGGCACAGGCCTCTGGGCTGGGCCGCAGGGCCTCTC-3'
Protein context (NP_005219.2, residues 714-734): KIKVLGSGAF[Gly724Ser]TVYKGLWIPE